The following is an entry in ClinVar:

ClinVar aggregate classification (germline): Benign/Likely benign. Review status: criteria provided, multiple submitters, no conflicts (2 of 4 stars). 4 submissions from 4 submitters: Benign (3); Likely benign (1). Last evaluated 2024-11-26.

Allele frequency attached by ClinVar (database versions not stated): gnomAD exomes 0.07531 and 0.09117; ExAC 0.09679; gnomAD 0.10134 and 0.10218; TOPMed 0.10552; ESP Exome Variant Server 0.10641; 1000 Genomes Project 0.12320; 1000 Genomes Project 30x 0.13179.
gnomAD v4.1: 122,077 of 1,554,250 alleles (7.9%); highest among the groups gnomAD compares: Middle Eastern, 18%; 5,925 homozygotes.

Submissions (4):

Blueprint Genetics
Classification: Likely benign. Last evaluated: 2024-11-26. Review status: criteria provided, single submitter. Criteria: ACMG Guidelines, 2015. Collection method: clinical testing. Allele origin: germline.

GeneDx
Classification: Benign. Last evaluated: 2021-06-09. Review status: criteria provided, single submitter. Criteria: GeneDx Variant Classification Process June 2021. Collection method: clinical testing. Allele origin: germline. Affected: yes.

Laboratory for Molecular Medicine, Mass General Brigham Personalized Medicine
Classification: Benign. Last evaluated: 2016-03-28. Review status: criteria provided, single submitter. Criteria: LMM Criteria. Collection method: clinical testing. Allele origin: germline.
Comment: Variant identified in a genome or exome case(s) and assessed due to predicted null impact of the variant or pathogenic assertions in the literature or databases. Disclaimer: This variant has not undergone full assessment. The following are preliminary notes: Frequency

Breakthrough Genomics
Classification: Benign. Review status: criteria provided, single submitter. Criteria: ACMG Guidelines, 2015. Collection method: not provided. Allele origin: germline. Inheritance: Unknown mechanism. Affected: yes.

NM_001017365.3(C4BPB):c.410-9T>C

Gene: C4BPB (complement component 4 binding protein beta; plus strand). Cytogenetic location: 1q32.1.
Variant type: single nucleotide variant.
Coding change: c.410-9T>C on transcript NM_001017365.3 (MANE Select); 9 bases into the intron before coding-DNA position 410, T replaced by C.
Molecular consequence: intron variant.
Genome position (GRCh38, 1-based): chr1:207,096,513, T>C. VCF-style: chr1-207096513-T-C. GRCh37 (hg19) VCF-style: chr1-207269858-T-C.
Other names: c.407-9T>C (NM_001017366.3, NM_001017364.1); c.410-9T>C (NM_000716.3, NM_001017367.1).
Identifiers: ClinVar variation 402448 (VCV000402448.7), dbSNP rs3813948, ClinGen allele CA1367306.
Genomic context (GRCh38, chr1:207,096,513, plus strand): 5'-AATTAGGGGTGCTGTTCATTGAGCGTGCCTGGCCCTCATAACTATGACTTCTATACTCGT[T>C]TCTCTCAGGGGACTGTGACCCTCCTGGGAATCCAGTTCATGGCTATTTTGAAGGAAATAA-3'